The following is an entry in ClinVar:

ClinVar aggregate classification (germline): Pathogenic/Likely pathogenic. Review status: criteria provided, multiple submitters, no conflicts (2 of 4 stars). 2 submissions from 2 submitters: Pathogenic (1); Likely pathogenic (1). Last evaluated 2024-03-08.

Conditions:
CFTR-related disorder (CFTR-RD). Also called: CFTR-related disorders; CFTR-related condition. Identifiers: MedGen C5924204, MONDO:7770004.
Cystic fibrosis (CF). Also called: MUCOVISCIDOSIS. Identifiers: Orphanet 586, MedGen C0010674, MONDO:0009061, OMIM 219700. Disease mechanism: loss of function.

Submissions (2):

Natera, Inc.
Classification: Likely pathogenic for CFTR-related disorders. Last evaluated: 2024-03-08. Review status: criteria provided, single submitter. Criteria: Natera Variant Classification Schema (03/2026). Collection method: clinical testing. Allele origin: germline.
Comment: The c.619C>T variant in CFTR is a nonsense variant predicted to introduce a stop codon at amino acid 207. This variant is expected to result in nonsense mediated decay, truncation, or a dysfunctional protein product. This variant is rare in the general population with a frequency below the threshold expected for the associated phenotype(s). Given the available evidence, this variant is classified as Likely Pathogenic.

Women's Health and Genetics/Laboratory Corporation of America, LabCorp
Classification: Pathogenic for Cystic fibrosis. Last evaluated: 2022-08-11. Review status: criteria provided, single submitter. Criteria: LabCorp Variant Classification Summary - May 2015. Collection method: clinical testing. Allele origin: germline.
Comment: Variant summary: CFTR c.619C>T (p.Gln207X) results in a premature termination codon, predicted to cause a truncation of the encoded protein or absence of the protein due to nonsense mediated decay, which are commonly known mechanisms for disease. Truncations downstream of this position have been classified as pathogenic by our laboratory. The variant was absent in 251446 control chromosomes. c.619C>T has been reported in the literature in individuals affected with Cystic Fibrosis (example, Wong_2002, Sobczynska-Tomaszewska_2013, Nunes_2017 and the sick kids database). These data indicate that the variant is likely to be associated with disease. One clinical diagnostic laboratory has submitted clinical-significance assessments for this variant to ClinVar after 2014 without evidence for independent evaluation and classified the variant as likely pathogenic. Based on the evidence outlined above, the variant was classified as pathogenic.

Literature cited by the submitters: PubMed 22892530 (cited by Women's Health and Genetics/Laboratory Corporation of America, LabCorp); PubMed 28771972 (cited by Women's Health and Genetics/Laboratory Corporation of America, LabCorp).

NM_000492.4(CFTR):c.619C>T (p.Gln207Ter)

Gene: CFTR (CF transmembrane conductance regulator; plus strand). Cytogenetic location: 7q31.2.
Variant type: single nucleotide variant.
Coding change: c.619C>T on transcript NM_000492.4 (MANE Select); coding-DNA position 619, C replaced by T.
Protein change: p.Gln207Ter; replaces glutamine 207 with a stop codon.
Molecular consequence: nonsense.
Genome position (GRCh38, 1-based): chr7:117,535,287, C>T. VCF-style: chr7-117535287-C-T. GRCh37 (hg19) VCF-style: chr7-117175341-C-T.
Other names: short protein forms Q207*.
Identifiers: ClinVar variation 54029 (VCV000054029.4), dbSNP rs397508771, ClinGen allele CA327605.